The following is an entry in ClinVar:

ClinVar aggregate classification (germline): Uncertain significance. Review status: criteria provided, multiple submitters, no conflicts (2 of 4 stars). 2 submissions from 2 submitters: Uncertain significance (2). Last evaluated 2023-12-05.

Conditions:
Hereditary cancer-predisposing syndrome. Also called: Tumor predisposition; Neoplastic Syndromes, Hereditary; Hereditary Cancer Syndrome; Hereditary neoplastic syndrome. Identifiers: Orphanet 140162, MedGen C0027672, MeSH D009386, MONDO:0015356.
Hereditary diffuse gastric adenocarcinoma (HDGC). Also called: DIFFUSE GASTRIC AND LOBULAR BREAST CANCER SYNDROME. Identifiers: Orphanet 26106, MedGen C1708349, MONDO:0007648, OMIM 137215.

Allele frequency attached by ClinVar (database versions not stated): gnomAD exomes below 0.00001.
gnomAD v4.1: 1 of 1,613,162 alleles (0.000062%); highest among the groups gnomAD compares: South Asian, 0.0011%; no homozygotes.

Submissions (2):

Color Diagnostics, LLC DBA Color Health
Classification: Uncertain significance for Hereditary cancer-predisposing syndrome. Last evaluated: 2023-12-05. Review status: criteria provided, single submitter. Criteria: ACMG Guidelines, 2015. Collection method: clinical testing. Allele origin: germline.
Comment: This missense variant replaces isoleucine with phenylalanine at codon 713 of the CDH1 protein. To our knowledge, functional studies have not been reported for this variant. This variant has not been reported in individuals affected with CDH1-related disorders in the literature. This variant has been identified in 1/249802 chromosomes in the general population by the Genome Aggregation Database (gnomAD). The available evidence is insufficient to determine the role of this variant in disease conclusively. Therefore, this variant is classified as a Variant of Uncertain Significance.

Labcorp Genetics (formerly Invitae), Labcorp
Classification: Uncertain significance for Hereditary diffuse gastric adenocarcinoma. Last evaluated: 2022-01-26. Review status: criteria provided, single submitter. Criteria: Invitae Variant Classification Sherloc (09022015). Collection method: clinical testing. Allele origin: germline.
Comment: This sequence change replaces isoleucine, which is neutral and non-polar, with phenylalanine, which is neutral and non-polar, at codon 713 of the CDH1 protein (p.Ile713Phe). This variant is present in population databases (no rsID available, gnomAD 0.003%). This variant has not been reported in the literature in individuals affected with CDH1-related conditions. ClinVar contains an entry for this variant (Variation ID: 489852). Algorithms developed to predict the effect of missense changes on protein structure and function are either unavailable or do not agree on the potential impact of this missense change (SIFT: "Deleterious"; PolyPhen-2: "Probably Damaging"; Align-GVGD: "Class C0"). In summary, the available evidence is currently insufficient to determine the role of this variant in disease. Therefore, it has been classified as a Variant of Uncertain Significance.

NM_004360.5(CDH1):c.2137A>T (p.Ile713Phe)

Gene: CDH1 (cadherin 1; plus strand). Cytogenetic location: 16q22.1.
Variant type: single nucleotide variant.
Coding change: c.2137A>T on transcript NM_004360.5 (MANE Select); coding-DNA position 2137, A replaced by T.
Protein change: p.Ile713Phe; replaces isoleucine 713 with phenylalanine.
Molecular consequence: missense variant.
Genome position (GRCh38, 1-based): chr16:68,823,599, A>T. VCF-style: chr16-68823599-A-T. GRCh37 (hg19) VCF-style: chr16-68857502-A-T.
Other names: c.2137A>T (LRG_301t1); c.1954A>T, p.Ile652Phe (NM_001317184.2); c.589A>T, p.Ile197Phe (NM_001317185.2); c.172A>T, p.Ile58Phe (NM_001317186.2); short protein forms I713F, I197F, I58F, I652F.
Identifiers: ClinVar variation 489852 (VCV000489852.8), dbSNP rs1289236005, ClinGen allele CA396467921.